The following is an entry in ClinVar:

ClinVar aggregate classification (germline): Uncertain significance. Review status: criteria provided, multiple submitters, no conflicts (2 of 4 stars). 2 submissions from 2 submitters: Uncertain significance (2). Last evaluated 2025-04-28.

Conditions:
Generalized epilepsy with febrile seizures plus, type 9 (GEFSP9). Also called: GEFS+, TYPE 9. Identifiers: Orphanet 36387, MedGen C4015395, MONDO:0014517, OMIM 616172.
Inborn genetic diseases. Identifiers: MedGen C0950123, MeSH D030342.

gnomAD v4.1: 4 of 1,614,120 alleles (0.00025%); highest among the groups gnomAD compares: Non-Finnish European, 0.00034%; no homozygotes.

Submissions (2):

Ambry Genetics
Classification: Uncertain significance for Inborn genetic diseases. Last evaluated: 2025-04-28. Review status: criteria provided, single submitter. Criteria: Ambry Variant Classification Scheme 2023. Collection method: clinical testing. Allele origin: germline.

Center for Human Genetics and Genomic Medicine, Uniklinik Rwth Aachen
Classification: Uncertain significance for Generalized epilepsy with febrile seizures plus, type 9. Review status: criteria provided, single submitter. Criteria: ACMG Guidelines, 2015. Collection method: clinical testing. Allele origin: maternal. Inheritance: Autosomal dominant inheritance. Affected: yes.
Comment: The detected variant has a low frequency in gnomAD (0,0012%). Bioniformatic predicition is deleterious. A neighbouring variant (E210K) has been reported in literature in a patient with myoclonic epilepsy. We ranked the variante as a variant of unknown significance (PM2, PP3).

NM_052874.5(STX1B):c.626G>A (p.Arg209His)

Gene: STX1B (syntaxin 1B; minus strand). Cytogenetic location: 16p11.2.
Variant type: single nucleotide variant.
Coding change: c.626G>A on transcript NM_052874.5 (MANE Select); coding-DNA position 626, G replaced by A.
Protein change: p.Arg209His; replaces arginine 209 with histidine.
Molecular consequence: missense variant.
Genome position (GRCh38, 1-based): chr16:30,993,396, C>T on the plus strand (G>A on the coding strand, the complement: STX1B is on the minus strand). VCF-style: chr16-30993396-C-T. GRCh37 (hg19) VCF-style: chr16-31004717-C-T.
Other names: c.626G>A (NM_052874.3); short protein forms R209H.
Identifiers: ClinVar variation 3338649 (VCV003338649.2).
Genomic context (GRCh38, chr16:30,993,396, plus strand): 5'-AGAGCCAGTACCTGGCTCTCTACGAGCATGGCCATGTCCACAAACATATCGTGCAGCTCG[C>T]GGATGCTGGTCTCCAGCTTGATGATCTCATTGTGCCTCGTCTCAATCTCATTCAGCGCCT-3'
Protein context (NP_443106.1, residues 199-219): NEIIKLETSI[Arg209His]ELHDMFVDMA